The following is an entry in ClinVar:

ClinVar aggregate classification (germline): Uncertain significance (1 of 4 stars; one submission).

Conditions:
Hearing loss, autosomal dominant 80. Also called: DEAFNESS, AUTOSOMAL DOMINANT 80. Identifiers: MedGen C5543289, MONDO:0030998, OMIM 619274.

Allele frequency attached by ClinVar (database versions not stated): gnomAD exomes 0.00001.
gnomAD v4.1: 9 of 1,537,182 alleles (0.00059%); highest among the groups gnomAD compares: East Asian, 0.02%; no homozygotes.

Submission:

Victorian Clinical Genetics Services, Murdoch Childrens Research Institute
Classification: Uncertain significance for Hearing loss, autosomal dominant 80. Last evaluated: 2024-09-23. Review status: criteria provided, single submitter. Criteria: ACMG Guidelines, 2015. Collection method: clinical testing. Allele origin: germline. Inheritance: Autosomal dominant inheritance. Affected: yes.
Comment: Based on the classification scheme VCGS_Germline_v1.3.4, this variant is classified as VUS-3C. Following criteria are met: 0102 - Loss of function is a known mechanism of disease in this gene and is associated with deafness, autosomal dominant 80, (MIM#619274), and renal hypodysplasia/aplasia 3, (MIM#617805). There is no genotype-phenotype correlation (PMID: 32585897). (I) 0107 - This gene is associated with autosomal dominant disease. (I) 0112 - The condition associated with this gene has incomplete penetrance, where variants have been inherited from unaffected parents (PMID: 29100090, PMID: 32378186). (I) 0115 - Variants in this gene are known to have variable expressivity (OMIM). (I) 0200 - Variant is predicted to result in a missense amino acid change from valine to methionine. (I) 0251 - This variant is heterozygous. (I) 0301 - Variant is absent from gnomAD (both v2 and v3). (SP) 0502 - Missense variant with conflicting in silico predictions and uninformative conservation. (I) 0600 - Variant is located in the annotated GREB1 domain (DECIPHER). (I) 0705 - No comparable missense variants have previous evidence for pathogenicity. (I) 0807 - This variant has no previous evidence of pathogenicity. (I) 0905 - No published segregation evidence has been identified for this variant. (I) 1007 - No published functional evidence has been identified for this variant. (I) Legend: (SP) - Supporting pathogenic, (I) - Information, (SB) - Supporting benign

Literature cited by the submitters: PubMed 29100090; PubMed 32378186; PubMed 32585897.

NM_001142966.3(GREB1L):c.1708G>A (p.Val570Met)

Genes: GREB1L (GREB1 like retinoic acid receptor coactivator; plus strand), GREB1L-AS1 (GREB1L antisense RNA 1; minus strand). Cytogenetic location: 18q11.1.
Variant type: single nucleotide variant.
Coding change: c.1708G>A on transcript NM_001142966.3 (MANE Select); coding-DNA position 1708, G replaced by A.
Protein change: p.Val570Met; replaces valine 570 with methionine.
Molecular consequence: missense variant. On other transcripts: intron variant (1).
Genome position (GRCh38, 1-based): chr18:21,449,824, G>A. VCF-style: chr18-21449824-G-A. GRCh37 (hg19) VCF-style: chr18-19029785-G-A.
Other names: c.1837G>A, p.Val613Met (NM_001410867.1); c.1394-1199G>A (NM_001410868.1); short protein forms V570M, V613M.
Identifiers: ClinVar variation 3254994 (VCV003254994.2), dbSNP rs1220903701.